The following is an entry in ClinVar:

NM_014991.6(WDFY3):c.7297_7298insC (p.Val2433fs)

Gene: WDFY3 (WD repeat and FYVE domain containing 3; minus strand). Cytogenetic location: 4q21.23.
Variant type: Insertion.
Coding change: c.7297_7298insC on transcript NM_014991.6 (MANE Select); coding-DNA positions 7297 to 7298, C inserted.
Protein change: p.Val2433fs; shifts the reading frame from valine 2433.
Molecular consequence: frameshift variant.
Genome position: GRCh38 VCF-style: chr4-84724569-A-AG. GRCh37 (hg19) VCF-style: chr4-85645722-A-AG.
Other names: short protein forms V2433fs.
Identifiers: ClinVar variation 3236646 (VCV003236646.1), dbSNP rs2531666671, ClinGen allele CA2825001299.

ClinVar aggregate classification (germline): Pathogenic (1 of 4 stars; one submission).

Conditions:
Microcephaly 18, primary, autosomal dominant (MCPH18). Identifiers: MedGen C4479608, MONDO:0054593, OMIM 617520.

Submission:

Clinical Genomics Laboratory, Washington University in St. Louis
Classification: Pathogenic for Microcephaly 18, primary, autosomal dominant. Last evaluated: 2024-04-19. Review status: criteria provided, single submitter. Criteria: ACMG Guidelines, 2015. Collection method: clinical testing. Allele origin: germline. Affected: yes.
Comment: The WDFY3 c.7297_7298insC (p.Val2433Alafs*4) variant, to our knowledge, has not been reported in the medical literature and is absent from the general population (gnomAD v.2.1.1), indicating it is not a common variant. This variant causes a frameshift by inserting a single nucleotide, leading to a premature termination codon, which is predicted to lead to nonsense mediated decay. Furthermore, several loss of function variants downstream of this variant have been observed in affected individuals (Le Duc D et al., PMID: 31406988). Based on available information and the ACMG/AMP guidelines for variant interpretation (Richards S et al., PMID: 25741868), this variant is classified as pathogenic.